The following is an entry in ClinVar:

NM_000046.5(ARSB):c.980G>A (p.Arg327Gln)

Gene: ARSB (arylsulfatase B; minus strand). Cytogenetic location: 5q14.1.
Variant type: single nucleotide variant.
Coding change: c.980G>A on transcript NM_000046.5 (MANE Select); coding-DNA position 980, G replaced by A.
Protein change: p.Arg327Gln; replaces arginine 327 with glutamine.
Molecular consequence: missense variant.
Genome position (GRCh38, 1-based): chr5:78,885,746, C>T on the plus strand (G>A on the coding strand, the complement: ARSB is on the minus strand). VCF-style: chr5-78885746-C-T. GRCh37 (hg19) VCF-style: chr5-78181569-C-T.
Other names: c.980G>A, p.Arg327Gln (NM_198709.3); short protein forms R327Q.
Identifiers: ClinVar variation 2688608 (VCV002688608.5), dbSNP rs772017949, ClinGen allele CA3318137.

ClinVar aggregate classification (germline): Conflicting classifications of pathogenicity. Review status: criteria provided, conflicting classifications (1 of 4 stars). 3 submissions from 3 submitters: Pathogenic (1); Uncertain significance (2). Last evaluated 2026-01-07.

Conditions:
Mucopolysaccharidosis type 6 (MPS6). Also called: MPS VI; MPS 6; Maroteaux Lamy syndrome; ARSB DEFICIENCY; ARYLSULFATASE B DEFICIENCY; N-ACETYLGALACTOSAMINE-4-SULFATASE DEFICIENCY. Identifiers: Orphanet 583, MedGen C0026709, MONDO:0009661, OMIM 253200.

Allele frequency attached by ClinVar (database versions not stated): ExAC 0.00001; gnomAD exomes below 0.00001.
gnomAD v4.1: 6 of 1,614,128 alleles (0.00037%); highest among the groups gnomAD compares: Admixed American, 0.0017%; no homozygotes.

Submissions (3):

3billion
Classification: Uncertain significance for Mucopolysaccharidosis type 6. Last evaluated: 2026-01-07. Review status: criteria provided, single submitter. Criteria: ACMG Guidelines, 2015. Collection method: clinical testing. Allele origin: germline. Affected: yes.
Comment: The variant is observed at an extremely low frequency in the gnomAD v4.1.0 dataset (total allele frequency: <0.001%). Predicted Consequence/Location: Missense variant In silico tool predictions suggest damaging effect of the variant on gene or gene product [REVEL: 0.95 (>=0.6, sensitivity 0.68 and specificity 0.92); 3Cnet: 0.81 (> 0.75, sensitivity 0.96 and precision 0.92)]. The same nucleotide change resulting in the same amino acid change has been previously reported to be associated with ARSB-related disorder (PMID: 35614200). However, the evidence of pathogenicity is insufficient at this time. Therefore, this variant is classified as VUS according to the recommendation of ACMG/AMP guideline.

Revvity Omics, Revvity
Classification: Uncertain significance for Mucopolysaccharidosis type 6. Last evaluated: 2025-05-27. Review status: criteria provided, single submitter. Criteria: ACMG Guidelines, 2015. Collection method: clinical testing. Allele origin: germline.

Labcorp Genetics (formerly Invitae), Labcorp
Classification: Pathogenic for Mucopolysaccharidosis type 6. Last evaluated: 2025-03-07. Review status: criteria provided, single submitter. Criteria: Invitae Variant Classification Sherloc (09022015). Collection method: clinical testing. Allele origin: germline.
Comment: This sequence change replaces arginine, which is basic and polar, with glutamine, which is neutral and polar, at codon 327 of the ARSB protein (p.Arg327Gln). This variant is present in population databases (rs772017949, gnomAD 0.003%). This missense change has been observed in individual(s) with clinical features of mucopolysaccharidosis type VI (PMID: 35614200; internal data). ClinVar contains an entry for this variant (Variation ID: 2688608). Invitae Evidence Modeling of protein sequence and biophysical properties (such as structural, functional, and spatial information, amino acid conservation, physicochemical variation, residue mobility, and thermodynamic stability) indicates that this missense variant is expected to disrupt ARSB protein function with a positive predictive value of 95%. For these reasons, this variant has been classified as Pathogenic.

Literature cited by the submitters: PubMed 35614200 (cited by 3billion and Labcorp Genetics (formerly Invitae), Labcorp).